The following is an entry in ClinVar:

NM_000138.5(FBN1):c.7452_7453+5del

Gene: FBN1 (fibrillin 1; minus strand). Cytogenetic location: 15q21.1.
Variant type: Deletion.
Coding change: c.7452_7453+5del on transcript NM_000138.5 (MANE Select); coding-DNA position 7452 through 5 bases into the intron after coding-DNA position 7453, 7 bases deleted (AGGTAAA; older notation c.7452_7453+5delAGGTAAA).
Molecular consequence: splice donor variant.
Genome position (GRCh38, 1-based): chr15:48,425,364-48,425,370, TTTACCT deleted on the plus strand (AGGTAAA on the coding strand, the reverse complement: FBN1 is on the minus strand); deleting any 7 consecutive bases within chr15:48,425,364-48,425,372 gives the same sequence; the c. name uses the placement nearest the transcript's 3' end. VCF-style (leftmost placement, unchanged base first): chr15-48425363-CTTTACCT-C. GRCh37 (hg19) VCF-style: chr15-48717560-CTTTACCT-C.
Other names: c.7452_7453+5del (NM_001406716.1).
Identifiers: ClinVar variation 4785115 (VCV004785115.1).
Genomic context (GRCh38, chr15:48,425,363, plus strand): 5'-TACAGGCAAAGGAATGCAGCCATGTGTCAGGAGCTAGGTGAGGGGCAATGGTCAATTCTA[CTTTACCT>C]TTGCAGCTCCTTCCATCCTCTTGCAGAATGTAGCCTTTCGGGCATGAACACTGGTAACTC-3'

ClinVar aggregate classification (germline): Likely pathogenic (1 of 4 stars; one submission).

Conditions:
Marfan syndrome (MFS). Also called: FBN1-Related Marfan Syndrome; MARFAN SYNDROME, TYPE I; Marfan syndrome type 1; Marfan's syndrome; Marfan syndrome, classic. Identifiers: Orphanet 284963, Orphanet 558, MedGen C0024796, MONDO:0007947, OMIM 154700.
Familial thoracic aortic aneurysm and aortic dissection (TAAD). Also called: Thoracic aortic aneurysms and dissections. Identifiers: Orphanet 91387, MedGen C4707243, MONDO:0019625.

Submission:

Labcorp Genetics (formerly Invitae), Labcorp
Classification: Likely pathogenic for Marfan syndrome; Familial thoracic aortic aneurysm and aortic dissection. Last evaluated: 2025-05-26. Review status: criteria provided, single submitter. Criteria: Invitae Variant Classification Sherloc (09022015). Collection method: clinical testing. Allele origin: germline.
Comment: This variant results in the deletion of part of exon 60 (c.7452_7453+5del) of the FBN1 gene. It is expected to disrupt RNA splicing. Variants that disrupt the donor or acceptor splice site typically lead to a loss of protein function (PMID: 16199547), and loss-of-function variants in FBN1 are known to be pathogenic (PMID: 17657824, 19293843). This variant is not present in population databases (gnomAD no frequency). This variant has not been reported in the literature in individuals affected with FBN1-related conditions. In summary, the currently available evidence indicates that the variant is pathogenic, but additional data are needed to prove that conclusively. Therefore, this variant has been classified as Likely Pathogenic.

Literature cited by the submitters: PubMed 16199547; PubMed 17657824; PubMed 19293843.